The following is an entry in ClinVar:

NM_004356.4(CD81):c.145C>A (p.Leu49Met)

Gene: CD81 (CD81 molecule; plus strand). Cytogenetic location: 11p15.5.
Variant type: single nucleotide variant.
Coding change: c.145C>A on transcript NM_004356.4 (MANE Select); coding-DNA position 145, C replaced by A.
Protein change: p.Leu49Met; replaces leucine 49 with methionine.
Molecular consequence: missense variant. On other transcripts: 5 prime UTR variant (1).
Genome position (GRCh38, 1-based): chr11:2,390,490, C>A. VCF-style: chr11-2390490-C-A. GRCh37 (hg19) VCF-style: chr11-2411720-C-A.
Other names: c.-69C>A (NM_001297649.2, NM_001425129.1, NM_001425131.1 and 3 more transcripts); c.-65C>A (NM_001425130.1); c.145C>A, p.Leu49Met (NM_001425135.1, NM_001425137.1); short protein forms L49M.
Identifiers: ClinVar variation 2826148 (VCV002826148.3), dbSNP rs2496509400, ClinGen allele CA379120701.

ClinVar aggregate classification (germline): Uncertain significance (1 of 4 stars; one submission).

Submission:

Labcorp Genetics (formerly Invitae), Labcorp
Classification: Uncertain significance. Last evaluated: 2023-03-26. Review status: criteria provided, single submitter. Criteria: Invitae Variant Classification Sherloc (09022015). Collection method: clinical testing. Allele origin: germline.
Comment: In summary, the available evidence is currently insufficient to determine the role of this variant in disease. Therefore, it has been classified as a Variant of Uncertain Significance. An algorithm developed to predict the effect of missense changes on protein structure and function (PolyPhen-2) suggests that this variant is likely to be disruptive. This variant has not been reported in the literature in individuals affected with CD81-related conditions. This variant is not present in population databases (gnomAD no frequency). This sequence change replaces leucine, which is neutral and non-polar, with methionine, which is neutral and non-polar, at codon 49 of the CD81 protein (p.Leu49Met).